The following is an entry in ClinVar:

NM_001267550.2(TTN):c.102999del (p.Val34334fs)

Genes: TTN (titin; minus strand), TTN-AS1 (TTN antisense RNA 1; plus strand). Cytogenetic location: 2q31.2.
Variant type: Deletion.
Coding change: c.102999del on transcript NM_001267550.2 (MANE Select); coding-DNA position 102999, one base deleted (T; older notation c.102999delT).
Protein change: p.Val34334fs; shifts the reading frame from valine 34334.
Molecular consequence: frameshift variant.
Genome position (GRCh38, 1-based): chr2:178,533,616, A deleted on the plus strand (T on the coding strand, the reverse complement: TTN is on the minus strand); the first of 2 consecutive A bases (chr2:178,533,616-178,533,617); deleting either gives the same sequence. VCF-style (leftmost placement, unchanged base first): chr2-178533615-CA-C. GRCh37 (hg19) VCF-style: chr2-179398342-CA-C.
Other names: c.98076del, p.Val32693fs (NM_001256850.1); c.75804del, p.Val25269fs (NM_003319.4); c.95295del, p.Val31766fs (NM_133378.4); c.76179del, p.Val25394fs (NM_133432.3); c.76380del, p.Val25461fs (NM_133437.4); short protein forms V31766fs, V32693fs, V25394fs, V34334fs, V25269fs, V25461fs.
Identifiers: ClinVar variation 4785017 (VCV004785017.2).
Genomic context (GRCh38, chr2:178,533,615, plus strand): 5'-GGTGTAGGGTTACTGTCAGCTTTGCTTTACAGCTGTCTTCACCATATTTGTTCCTTGCCA[CA>C]ACAGTATATTCAGCGTCATCATCTGTAGTGACACTGTTGATTGTTAATTGGTAAAGACCC-3'

ClinVar aggregate classification (germline): Pathogenic/Likely pathogenic. Review status: criteria provided, multiple submitters, no conflicts (2 of 4 stars). 2 submissions from 2 submitters: Pathogenic (1); Likely pathogenic (1). Last evaluated 2026-03-05.

Conditions:
Autosomal recessive limb-girdle muscular dystrophy type 2J (LGMDR10). Also called: Limb-girdle muscular dystrophy, type 2J; MUSCULAR DYSTROPHY, LIMB-GIRDLE, AUTOSOMAL RECESSIVE 10. Identifiers: Orphanet 140922, MedGen C1837342, MONDO:0012127, OMIM 608807.
Dilated cardiomyopathy 1G (CMD1G). Identifiers: Orphanet 154, MedGen C1858763, MONDO:0011400, OMIM 604145.
Early-onset myopathy with fatal cardiomyopathy (CMYO5). Also called: Salih Myopathy; CONGENITAL MYOPATHY 5 WITH CARDIOMYOPATHY. Identifiers: Orphanet 289377, MedGen C2673677, MONDO:0012714, OMIM 611705. Disease mechanism: loss of function.

Submissions (2):

Mendelics
Classification: Pathogenic for Early-onset myopathy with fatal cardiomyopathy. Last evaluated: 2026-03-05. Review status: criteria provided, single submitter. Criteria: ACMG Guidelines, 2015. Collection method: clinical testing. Allele origin: unknown.
Comment: Likely pathogenic/Pathogenic according to ACMG criteria.

Labcorp Genetics (formerly Invitae), Labcorp
Classification: Likely pathogenic for Dilated cardiomyopathy 1G; Autosomal recessive limb-girdle muscular dystrophy type 2J. Last evaluated: 2025-05-19. Review status: criteria provided, single submitter. Criteria: Invitae Variant Classification Sherloc (09022015). Collection method: clinical testing. Allele origin: germline.
Comment: This sequence change creates a premature translational stop signal (p.Val34334Trpfs*15) in the TTN gene. While this is not anticipated to result in nonsense mediated decay, it is expected to create a truncated TTN protein. This variant is not present in population databases (gnomAD no frequency). This variant has not been reported in the literature in individuals affected with TTN-related conditions. This variant is located in the M band of TTN (PMID: 25589632). Truncating variants in this region have been previously reported in individuals affected with autosomal dominant or autosomal recessive myopathy and muscular dystrophy (PMID: 18948003, 23975875, 24395473). Truncating variants in this region have also been identified in individuals affected with autosomal dominant dilated cardiomyopathy and/or cardio-related conditions (PMID: 27869827, 32964742, internal data). In summary, the currently available evidence indicates that the variant is pathogenic, but additional data are needed to prove that conclusively. Therefore, this variant has been classified as Likely Pathogenic.

Literature cited by the submitters: PubMed 25589632 (cited by Labcorp Genetics (formerly Invitae), Labcorp); PubMed 18948003 (cited by Labcorp Genetics (formerly Invitae), Labcorp); PubMed 23975875 (cited by Labcorp Genetics (formerly Invitae), Labcorp); PubMed 24395473 (cited by Labcorp Genetics (formerly Invitae), Labcorp); PubMed 27869827 (cited by Labcorp Genetics (formerly Invitae), Labcorp); PubMed 32964742 (cited by Labcorp Genetics (formerly Invitae), Labcorp).